The following is an entry in ClinVar:

ClinVar aggregate classification (germline): Likely pathogenic (1 of 4 stars; one submission).

Conditions:
Spermatogenic failure 34. Identifiers: MedGen C4748403, MONDO:0029148, OMIM 618153.

Submission:

First Genomix Gene Laboratory, Genetic Diagnostics Department
Classification: Likely pathogenic for Spermatogenic failure 34. Last evaluated: 2025-12-28. Review status: criteria provided, single submitter. Criteria: ACMG Guidelines, 2015. Collection method: clinical testing. Allele origin: germline. Inheritance: Autosomal recessive inheritance. Affected: no. Observed: 1 variant allele.

NM_173651.4(FSIP2):c.15420del (p.Glu5141fs)

Gene: FSIP2 (fibrous sheath interacting protein 2; plus strand). Cytogenetic location: 2q32.1.
Variant type: Deletion.
Coding change: c.15420del on transcript NM_173651.4 (MANE Select); coding-DNA position 15420, one base deleted (A; older notation c.15420delA).
Protein change: p.Glu5141fs; shifts the reading frame from glutamic acid 5141.
Molecular consequence: frameshift variant.
Genome position (GRCh38, 1-based): chr2:185,804,726, A deleted; the last of 4 consecutive A bases (chr2:185,804,723-185,804,726); deleting any one gives the same sequence. VCF-style (leftmost placement, unchanged base first): chr2-185804722-TA-T. GRCh37 (hg19) VCF-style: chr2-186669449-TA-T.
Other names: short protein forms E5141fs.
Identifiers: ClinVar variation 4850610 (VCV004850610.1).